The following is an entry in ClinVar:

NM_018451.5(CPAP):c.974+278G>A

Gene: CPAP (centrosome assembly and centriole elongation protein; minus strand). Cytogenetic location: 13q12.13.
Variant type: single nucleotide variant.
Coding change: c.974+278G>A on transcript NM_018451.5 (MANE Select); 278 bases into the intron after coding-DNA position 974, G replaced by A.
Molecular consequence: intron variant.
Genome position (GRCh38, 1-based): chr13:24,907,740, C>T on the plus strand (G>A on the coding strand, the complement: CPAP is on the minus strand). VCF-style: chr13-24907740-C-T. GRCh37 (hg19) VCF-style: chr13-25481878-C-T.
Identifiers: ClinVar variation 668867 (VCV000668867.1), dbSNP rs10220033, ClinGen allele CA13883272.

ClinVar aggregate classification (germline): Benign (1 of 4 stars; one submission).

Allele frequency attached by ClinVar (database versions not stated): gnomAD 0.18211 and 0.18498; TOPMed 0.18715; 1000 Genomes Project 0.20427; 1000 Genomes Project 30x 0.20815.
gnomAD v4.1: 28,223 of 152,042 alleles (19%); highest among the groups gnomAD compares: South Asian, 32%; 2,855 homozygotes.

Submission:

GeneDx
Classification: Benign. Last evaluated: 2018-06-16. Review status: criteria provided, single submitter. Criteria: GeneDx Variant Classification (06012015). Collection method: clinical testing. Allele origin: germline. Affected: yes.
Comment: This variant is considered likely benign or benign based on one or more of the following criteria: it is a conservative change, it occurs at a poorly conserved position in the protein, it is predicted to be benign by multiple in silico algorithms, and/or has population frequency not consistent with disease.